The following is an entry in ClinVar:

ClinVar aggregate classification (germline): Uncertain significance. Review status: criteria provided, multiple submitters, no conflicts (2 of 4 stars). 3 submissions from 3 submitters: Uncertain significance (3). Last evaluated 2024-07-18.

Conditions:
Inborn genetic diseases. Identifiers: MedGen C0950123, MeSH D030342.

Allele frequency attached by ClinVar (database versions not stated): gnomAD 0.00001; gnomAD exomes 0.00001 and 0.00003; ExAC 0.00002; TOPMed 0.00006.
gnomAD v4.1: 10 of 1,614,100 alleles (0.00062%); highest among the groups gnomAD compares: Admixed American, 0.013%; no homozygotes.

Submissions (3):

Quest Diagnostics Nichols Institute San Juan Capistrano
Classification: Uncertain significance. Last evaluated: 2024-07-18. Review status: criteria provided, single submitter. Criteria: Quest Diagnostics criteria. Collection method: clinical testing. Allele origin: unknown.
Comment: The VWF c.8335A>G (p.Thr2779Ala) variant has not been reported in individuals with VWF-related conditions in the published literature. The frequency of this variant in the general population, 0.0002 (7/35428 chromosomes (Genome Aggregation Database)), is uninformative in the assessment of its pathogenicity. Analysis of this variant using bioinformatics tools (i.e., MutationTaster and PolyPhen-2) for the prediction of the effect of amino acid changes on protein structure and function yielded conflicting predictions that this variant is deleterious or benign. Based on the available information, we are unable to determine the clinical significance of this variant.

Ambry Genetics
Classification: Uncertain significance for Inborn genetic diseases. Last evaluated: 2024-03-18. Review status: criteria provided, single submitter. Criteria: Ambry Variant Classification Scheme 2023. Collection method: clinical testing. Allele origin: germline.

GeneDx
Classification: Uncertain significance. Last evaluated: 2021-02-18. Review status: criteria provided, single submitter. Criteria: GeneDx Variant Classification Process June 2021. Collection method: clinical testing. Allele origin: germline. Affected: yes.
Comment: In silico analysis supports that this missense variant does not alter protein structure/function; Has not been previously published as pathogenic or benign to our knowledge

NM_000552.5(VWF):c.8335A>G (p.Thr2779Ala)

Gene: VWF (von Willebrand factor; minus strand). Cytogenetic location: 12p13.31.
Variant type: single nucleotide variant.
Coding change: c.8335A>G on transcript NM_000552.5 (MANE Select); coding-DNA position 8335, A replaced by G.
Protein change: p.Thr2779Ala; replaces threonine 2779 with alanine.
Molecular consequence: missense variant.
Genome position (GRCh38, 1-based): chr12:5,949,122, T>C on the plus strand (A>G on the coding strand, the complement: VWF is on the minus strand). VCF-style: chr12-5949122-T-C. GRCh37 (hg19) VCF-style: chr12-6058288-T-C.
Other names: c.8335A>G (NM_000552.4); short protein forms T2779A.
Identifiers: ClinVar variation 1200719 (VCV001200719.5), dbSNP rs765927433, ClinGen allele CA6401328.
Genomic context (GRCh38, chr12:5,949,122, plus strand): 5'-GAACCTCATGGTACACAACAGAGCCATTGGTGCAGTGCAGGGCCACCTGCATGGGCTCCG[T>C]CCGTGTCGGAGAGCAGCAGGAGCACTGGTCCTGCACATCGTTGATGTCAATGGAGTACAT-3'
Protein context (NP_000543.3, residues 2769-2789): DQCSCCSPTR[Thr2779Ala]EPMQVALHCT